The following is an entry in ClinVar:

ClinVar aggregate classification (germline): Uncertain significance (1 of 4 stars; one submission).

Conditions:
Atrial fibrillation, familial, 18 (ATFB18). Identifiers: MedGen C4310636, MONDO:0015001, OMIM 617280.

Submission:

Labcorp Genetics (formerly Invitae), Labcorp
Classification: Uncertain significance for Atrial fibrillation, familial, 18. Last evaluated: 2025-12-03. Review status: criteria provided, single submitter. Criteria: Invitae Variant Classification Sherloc (09022015). Collection method: clinical testing. Allele origin: germline.
Comment: This sequence change replaces glycine, which is neutral and non-polar, with glutamic acid, which is acidic and polar, at codon 69 of the MYL4 protein (p.Gly69Glu). This variant is not present in population databases (gnomAD no frequency). This variant has not been reported in the literature in individuals affected with MYL4-related conditions. An algorithm developed to predict the effect of missense changes on protein structure and function (PolyPhen-2) suggests that this variant is likely to be disruptive. In summary, the available evidence is currently insufficient to determine the role of this variant in disease. Therefore, it has been classified as a Variant of Uncertain Significance.

NM_002476.2(MYL4):c.206G>A (p.Gly69Glu)

Gene: MYL4 (myosin light chain 4; plus strand). Cytogenetic location: 17q21.32.
Variant type: single nucleotide variant.
Coding change: c.206G>A on transcript NM_002476.2 (MANE Select); coding-DNA position 206, G replaced by A.
Protein change: p.Gly69Glu; replaces glycine 69 with glutamic acid.
Molecular consequence: missense variant.
Genome position (GRCh38, 1-based): chr17:47,219,946, G>A. VCF-style: chr17-47219946-G-A. GRCh37 (hg19) VCF-style: chr17-45297312-G-A.
Other names: c.206G>A, p.Gly69Glu (NM_001002841.2); short protein forms G69E.
Identifiers: ClinVar variation 4811244 (VCV004811244.1).